The following is an entry in ClinVar:

NM_014727.3(KMT2B):c.3163C>T (p.Arg1055Trp)

Gene: KMT2B (lysine methyltransferase 2B; plus strand). Cytogenetic location: 19q13.12.
Variant type: single nucleotide variant.
Coding change: c.3163C>T on transcript NM_014727.3 (MANE Select); coding-DNA position 3163, C replaced by T.
Protein change: p.Arg1055Trp; replaces arginine 1055 with tryptophan.
Molecular consequence: missense variant.
Genome position (GRCh38, 1-based): chr19:35,723,836, C>T. VCF-style: chr19-35723836-C-T. GRCh37 (hg19) VCF-style: chr19-36214737-C-T.
Other names: short protein forms R1055W.
Identifiers: ClinVar variation 3115982 (VCV003115982.2), dbSNP rs763123772, ClinGen allele CA9384672.

ClinVar aggregate classification (germline): Uncertain significance. Review status: criteria provided, multiple submitters, no conflicts (2 of 4 stars). 2 submissions from 2 submitters: Uncertain significance (2). Last evaluated 2025-02-04.

Conditions:
Inborn genetic diseases. Identifiers: MedGen C0950123, MeSH D030342.

Allele frequency attached by ClinVar (database versions not stated): gnomAD 0.00001; gnomAD exomes 0.00002; TOPMed 0.00002; ExAC 0.00003.

Submissions (2):

Labcorp Genetics (formerly Invitae), Labcorp
Classification: Uncertain significance. Last evaluated: 2025-02-04. Review status: criteria provided, single submitter. Criteria: Invitae Variant Classification Sherloc (09022015). Collection method: clinical testing. Allele origin: germline.
Comment: This sequence change replaces arginine, which is basic and polar, with tryptophan, which is neutral and slightly polar, at codon 1055 of the KMT2B protein (p.Arg1055Trp). The frequency data for this variant in the population databases is considered unreliable, as metrics indicate poor data quality at this position in the gnomAD database. This variant has not been reported in the literature in individuals affected with KMT2B-related conditions. ClinVar contains an entry for this variant (Variation ID: 3115982). Invitae Evidence Modeling of protein sequence and biophysical properties (such as structural, functional, and spatial information, amino acid conservation, physicochemical variation, residue mobility, and thermodynamic stability) indicates that this missense variant is not expected to disrupt KMT2B protein function with a negative predictive value of 80%. In summary, the available evidence is currently insufficient to determine the role of this variant in disease. Therefore, it has been classified as a Variant of Uncertain Significance.

Ambry Genetics
Classification: Uncertain significance for Inborn genetic diseases. Last evaluated: 2024-02-12. Review status: criteria provided, single submitter. Criteria: Ambry Variant Classification Scheme 2023. Collection method: clinical testing. Allele origin: germline.